The following is an entry in ClinVar:

NM_021830.5(TWNK):c.1436A>C (p.Glu479Ala)

Gene: TWNK (twinkle mtDNA helicase; plus strand). Cytogenetic location: 10q24.31.
Variant type: single nucleotide variant.
Coding change: c.1436A>C on transcript NM_021830.5 (MANE Select); coding-DNA position 1436, A replaced by C.
Protein change: p.Glu479Ala; replaces glutamic acid 479 with alanine.
Molecular consequence: missense variant. On other transcripts: non-coding transcript variant (5).
Genome position (GRCh38, 1-based): chr10:100,989,836, A>C. VCF-style: chr10-100989836-A-C. GRCh37 (hg19) VCF-style: chr10-102749593-A-C.
Other names: c.74A>C, p.Glu25Ala (NM_001163814.2, NM_001368275.1, NM_001163813.2); c.1436A>C, p.Glu479Ala (NM_001163812.2); short protein forms E25A, E479A.
Identifiers: ClinVar variation 3679412 (VCV003679412.2).
Genomic context (GRCh38, chr10:100,989,836, plus strand): 5'-TTGCCGAGGGGCGGCTGGAAGATCAACTGGACAAATATGATCACTGGGCTGACCGCTTTG[A>C]GGACCTGCCCCTCTATTTCATGACTTTCCATGGACAGCAAAGCATCAGGTGAGACTCCCA-3'
Protein context (NP_068602.2, residues 469-489): DKYDHWADRF[Glu479Ala]DLPLYFMTFH

ClinVar aggregate classification (germline): Likely pathogenic (1 of 4 stars; one submission).

Submission:

Labcorp Genetics (formerly Invitae), Labcorp
Classification: Likely pathogenic. Last evaluated: 2024-09-14. Review status: criteria provided, single submitter. Criteria: Invitae Variant Classification Sherloc (09022015). Collection method: clinical testing. Allele origin: germline.
Comment: This sequence change replaces glutamic acid, which is acidic and polar, with alanine, which is neutral and non-polar, at codon 479 of the TWNK protein (p.Glu479Ala). This variant is not present in population databases (gnomAD no frequency). This variant has not been reported in the literature in individuals affected with TWNK-related conditions. Invitae Evidence Modeling of protein sequence and biophysical properties (such as structural, functional, and spatial information, amino acid conservation, physicochemical variation, residue mobility, and thermodynamic stability) indicates that this missense variant is expected to disrupt TWNK protein function with a positive predictive value of 95%. This variant disrupts the p.Glu479 amino acid residue in TWNK. Other variant(s) that disrupt this residue have been determined to be pathogenic (PMID: 18575922). This suggests that this residue is clinically significant, and that variants that disrupt this residue are likely to be disease-causing. In summary, the currently available evidence indicates that the variant is pathogenic, but additional data are needed to prove that conclusively. Therefore, this variant has been classified as Likely Pathogenic.

Literature cited by the submitters: PubMed 18575922.